The following is an entry in ClinVar:

NM_002076.4(GNS):c.694C>T (p.Pro232Ser)

Gene: GNS (glucosamine (N-acetyl)-6-sulfatase; minus strand). Cytogenetic location: 12q14.3.
Variant type: single nucleotide variant.
Coding change: c.694C>T on transcript NM_002076.4 (MANE Select); coding-DNA position 694, C replaced by T.
Protein change: p.Pro232Ser; replaces proline 232 with serine.
Molecular consequence: missense variant.
Genome position (GRCh38, 1-based): chr12:64,743,239, G>A on the plus strand (C>T on the coding strand, the complement: GNS is on the minus strand). VCF-style: chr12-64743239-G-A. GRCh37 (hg19) VCF-style: chr12-65137019-G-A.
Other names: short protein forms P232S.
Identifiers: ClinVar variation 2077883 (VCV002077883.1), dbSNP rs1325037353, ClinGen allele CA385609110.

ClinVar aggregate classification (germline): Uncertain significance (1 of 4 stars; one submission).

Conditions:
Mucopolysaccharidosis, MPS-III-D (MPS3D). Also called: N-ACETYLGLUCOSAMINE-6-SULFATASE DEFICIENCY; SANFILIPPO SYNDROME D; MPS III D; Mucopoly-saccharidosis type 3D; N-acetylglucosamine-6-sulfate sulfatase deficiency; MPS 3D. Identifiers: Orphanet 581, Orphanet 79272, MedGen C0086650, MONDO:0009658, OMIM 252940.

Allele frequency attached by ClinVar (database versions not stated): gnomAD exomes below 0.00001; gnomAD 0.00001; TOPMed 0.00001.

Submission:

Labcorp Genetics (formerly Invitae), Labcorp
Classification: Uncertain significance for Mucopolysaccharidosis, MPS-III-D. Last evaluated: 2022-04-08. Review status: criteria provided, single submitter. Criteria: Invitae Variant Classification Sherloc (09022015). Collection method: clinical testing. Allele origin: germline.
Comment: This sequence change replaces proline, which is neutral and non-polar, with serine, which is neutral and polar, at codon 232 of the GNS protein (p.Pro232Ser). This variant is not present in population databases (gnomAD no frequency). This variant has not been reported in the literature in individuals affected with GNS-related conditions. Algorithms developed to predict the effect of missense changes on protein structure and function (SIFT, PolyPhen-2, Align-GVGD) all suggest that this variant is likely to be disruptive. In summary, the available evidence is currently insufficient to determine the role of this variant in disease. Therefore, it has been classified as a Variant of Uncertain Significance.